The following is an entry in ClinVar:

NM_006389.5(HYOU1):c.853G>A (p.Gly285Arg)

Gene: HYOU1 (hypoxia up-regulated 1; minus strand). Cytogenetic location: 11q23.3.
Variant type: single nucleotide variant.
Coding change: c.853G>A on transcript NM_006389.5 (MANE Select); coding-DNA position 853, G replaced by A.
Protein change: p.Gly285Arg; replaces glycine 285 with arginine.
Molecular consequence: missense variant.
Genome position (GRCh38, 1-based): chr11:119,052,771, C>T on the plus strand (G>A on the coding strand, the complement: HYOU1 is on the minus strand). VCF-style: chr11-119052771-C-T. GRCh37 (hg19) VCF-style: chr11-118923483-C-T.
Other names: c.853G>A, p.Gly285Arg (NM_001130991.3, NM_001411041.1); short protein forms G285R.
Identifiers: ClinVar variation 2127834 (VCV002127834.4), dbSNP rs1592149436, ClinGen allele CA382944366.

ClinVar aggregate classification (germline): Uncertain significance (1 of 4 stars; one submission).

Submission:

Labcorp Genetics (formerly Invitae), Labcorp
Classification: Uncertain significance. Last evaluated: 2022-05-05. Review status: criteria provided, single submitter. Criteria: Invitae Variant Classification Sherloc (09022015). Collection method: clinical testing. Allele origin: germline.
Comment: In summary, the available evidence is currently insufficient to determine the role of this variant in disease. Therefore, it has been classified as a Variant of Uncertain Significance. Algorithms developed to predict the effect of missense changes on protein structure and function output the following: SIFT: "Not Available"; PolyPhen-2: "Benign"; Align-GVGD: "Not Available". The arginine amino acid residue is found in multiple mammalian species, which suggests that this missense change does not adversely affect protein function. This variant has not been reported in the literature in individuals affected with HYOU1-related conditions. This variant is not present in population databases (gnomAD no frequency). This sequence change replaces glycine, which is neutral and non-polar, with arginine, which is basic and polar, at codon 285 of the HYOU1 protein (p.Gly285Arg).